The following is an entry in ClinVar:

ClinVar aggregate classification (germline): Uncertain significance (1 of 4 stars; one submission).

Submission:

Labcorp Genetics (formerly Invitae), Labcorp
Classification: Uncertain significance. Last evaluated: 2023-05-01. Review status: criteria provided, single submitter. Criteria: Invitae Variant Classification Sherloc (09022015). Collection method: clinical testing. Allele origin: unknown.
Comment: In summary, the available evidence is currently insufficient to determine the role of this variant in disease. Therefore, it has been classified as a Variant of Uncertain Significance. This variant has not been reported in the literature in individuals affected with CCDC141-related conditions. This variant is a gross deletion of the genomic region encompassing exon(s) 4-8 of the CCDC141 gene. This deletion is out-of-frame, and is expected to create a premature translational stop signal and result in an absent or disrupted protein product. However, the current clinical and genetic evidence is not sufficient to establish whether loss-of-function variants in CCDC141 cause disease.

NC_000002.11:g.(?_179770036)_(179839912_?)del

Gene: CCDC141 (coiled-coil domain containing 141; minus strand). Cytogenetic location: 2q31.2.
Variant type: Deletion.
Identifiers: ClinVar variation 3247597 (VCV003247597.1).